The following is an entry in ClinVar:

NM_006269.2(RP1):c.1018A>G (p.Arg340Gly)

Gene: RP1 (RP1 axonemal microtubule associated; plus strand). Cytogenetic location: 8q12.1.
Variant type: single nucleotide variant.
Coding change: c.1018A>G on transcript NM_006269.2 (MANE Select); coding-DNA position 1018, A replaced by G.
Protein change: p.Arg340Gly; replaces arginine 340 with glycine.
Molecular consequence: missense variant. On other transcripts: intron variant (1).
Genome position (GRCh38, 1-based): chr8:54,624,900, A>G. VCF-style: chr8-54624900-A-G. GRCh37 (hg19) VCF-style: chr8-55537460-A-G.
Other names: c.787+2612A>G (NM_001375654.1); short protein forms R340G.
Identifiers: ClinVar variation 2121727 (VCV002121727.4), dbSNP rs202098209, ClinGen allele CA177236597.

ClinVar aggregate classification (germline): Uncertain significance (1 of 4 stars; one submission).

Submission:

Labcorp Genetics (formerly Invitae), Labcorp
Classification: Uncertain significance. Last evaluated: 2022-04-04. Review status: criteria provided, single submitter. Criteria: Invitae Variant Classification Sherloc (09022015). Collection method: clinical testing. Allele origin: germline.
Comment: This sequence change replaces arginine, which is basic and polar, with glycine, which is neutral and non-polar, at codon 340 of the RP1 protein (p.Arg340Gly). This variant is not present in population databases (gnomAD no frequency). This variant has not been reported in the literature in individuals affected with RP1-related conditions. Algorithms developed to predict the effect of missense changes on protein structure and function are either unavailable or do not agree on the potential impact of this missense change (SIFT: "Deleterious"; PolyPhen-2: "Benign"; Align-GVGD: "Class C45"). In summary, the available evidence is currently insufficient to determine the role of this variant in disease. Therefore, it has been classified as a Variant of Uncertain Significance.